The following is an entry in ClinVar:

ClinVar aggregate classification (germline): Uncertain significance (1 of 4 stars; one submission).

Conditions:
Inborn genetic diseases. Identifiers: MedGen C0950123, MeSH D030342.

Submission:

Ambry Genetics
Classification: Uncertain significance for Inborn genetic diseases. Last evaluated: 2022-04-07. Review status: criteria provided, single submitter. Criteria: Ambry Variant Classification Scheme 2023. Collection method: clinical testing. Allele origin: germline.
Comment: The p.R303S variant (also known as c.909G>T), located in coding exon 9 of the RAD51 gene, results from a G to T substitution at nucleotide position 909. The arginine at codon 303 is replaced by serine, an amino acid with dissimilar properties. This amino acid position is conserved. In addition, this alteration is predicted to be deleterious by in silico analysis. Since supporting evidence is limited at this time, the clinical significance of this alteration remains unclear.

NM_002875.5(RAD51):c.909G>T (p.Arg303Ser)

Gene: RAD51 (RAD51 recombinase; plus strand). Cytogenetic location: 15q15.1.
Variant type: single nucleotide variant.
Coding change: c.909G>T on transcript NM_002875.5 (MANE Select); coding-DNA position 909, G replaced by T.
Protein change: p.Arg303Ser; replaces arginine 303 with serine.
Molecular consequence: missense variant. On other transcripts: nonsense (1).
Genome position (GRCh38, 1-based): chr15:40,731,067, G>T. VCF-style: chr15-40731067-G-T. GRCh37 (hg19) VCF-style: chr15-41023265-G-T.
Other names: c.912G>T, p.Arg304Ser (NM_001164269.2, NM_133487.4); c.787G>T, p.Glu263Ter (NM_001164270.2); short protein forms R304S, R303S, E263*.
Identifiers: ClinVar variation 1765771 (VCV001765771.2), dbSNP rs2504537301, ClinGen allele CA391760610.